The following is an entry in ClinVar:

ClinVar aggregate classification (germline): Likely benign (1 of 4 stars; one submission).

Conditions:
ADCY3-related disorder. Also called: ADCY3-related condition.

gnomAD v4.1: 2 of 1,614,000 alleles (0.00012%); highest among the groups gnomAD compares: African/African-American, 0.0027%; no homozygotes.

Submission:

PreventionGenetics, part of Exact Sciences
Classification: Likely benign for ADCY3-related condition. Last evaluated: 2025-12-29. Review status: criteria provided, single submitter. Criteria: ACMG Guidelines, 2015. Collection method: clinical testing. Allele origin: germline.
Comment: This variant is classified as likely benign based on ACMG/AMP sequence variant interpretation guidelines (Richards et al. 2015 PMID: 25741868, with internal and published modifications).

NM_004036.5(ADCY3):c.2076G>A (p.Val692=)

Gene: ADCY3 (adenylate cyclase 3; minus strand). Cytogenetic location: 2p23.3.
Variant type: single nucleotide variant.
Coding change: c.2076G>A on transcript NM_004036.5 (MANE Select); coding-DNA position 2076, G replaced by A.
Protein change: p.Val692=; no amino-acid change (valine 692 retained).
Molecular consequence: synonymous variant.
Genome position (GRCh38, 1-based): chr2:24,830,805, C>T on the plus strand (G>A on the coding strand, the complement: ADCY3 is on the minus strand). VCF-style: chr2-24830805-C-T. GRCh37 (hg19) VCF-style: chr2-25053674-C-T.
Other names: c.2076G>A, p.Val692= (NM_001320613.2, NM_001377129.1, NM_001377130.1 and 1 more transcripts); c.2142G>A, p.Val714= (NM_001377128.1); c.1353G>A, p.Val451= (NM_001377131.1).
Identifiers: ClinVar variation 4982825 (VCV004982825.1).